The following is an entry in ClinVar:

NM_014806.5(RUSC2):c.2988G>C (p.Leu996=)

Gene: RUSC2 (RUN and SH3 domain containing 2; plus strand). Cytogenetic location: 9p13.3.
Variant type: single nucleotide variant.
Coding change: c.2988G>C on transcript NM_014806.5 (MANE Select); coding-DNA position 2988, G replaced by C.
Protein change: p.Leu996=; no amino-acid change (leucine 996 retained).
Molecular consequence: synonymous variant. On other transcripts: non-coding transcript variant (1).
Genome position (GRCh38, 1-based): chr9:35,557,918, G>C. VCF-style: chr9-35557918-G-C. GRCh37 (hg19) VCF-style: chr9-35557915-G-C.
Other names: c.2988G>C, p.Leu996= (NM_001135999.2); c.354G>C, p.Leu118= (NM_001330740.2).
Identifiers: ClinVar variation 1548454 (VCV001548454.10), dbSNP rs375304496, ClinGen allele CA5044019.
Genomic context (GRCh38, chr9:35,557,918, plus strand): 5'-GCTGAGTTGGTTAAGGACTTGCTCAGGGACCTGTCACATCACATTCTTCCCTGCAGGGCT[G>C]GTAAAAGCTGTTAACATCGCTGTGGACCTCATTGTGGCTCATTTTGGCACAAGCCGGGAT-3'
Protein context (NP_055621.2, residues 986-1006): ISIDLLQKKG[Leu996=]VKAVNIAVDL

ClinVar aggregate classification (germline): Likely benign. Review status: criteria provided, multiple submitters, no conflicts (2 of 4 stars). 3 submissions from 3 submitters: Likely benign (3). Last evaluated 2026-07-01.

Allele frequency attached by ClinVar (database versions not stated): TOPMed 0.00012; gnomAD 0.00015; gnomAD exomes 0.00016 and 0.00038; ExAC 0.00018; ESP Exome Variant Server 0.00023.
gnomAD v4.1: 569 of 1,614,024 alleles (0.035%); highest among the groups gnomAD compares: Non-Finnish European, 0.046%; 1 homozygote.

Submissions (3):

CeGaT Center for Human Genetics Tuebingen
Classification: Likely benign. Last evaluated: 2026-07-01. Review status: criteria provided, single submitter. Criteria: CeGaT Center For Human Genetics Tuebingen Variant Classification Criteria Version 2. Collection method: clinical testing. Allele origin: germline. Affected: yes. Observed: 1 variant allele.
Comment: RUSC2: BP4, BP7

Labcorp Genetics (formerly Invitae), Labcorp
Classification: Likely benign. Last evaluated: 2025-02-19. Review status: criteria provided, single submitter. Criteria: Invitae Variant Classification Sherloc (09022015). Collection method: clinical testing. Allele origin: germline.

Blueprint Genetics
Classification: Likely benign. Last evaluated: 2024-07-09. Review status: criteria provided, single submitter. Criteria: ACMG Guidelines, 2015. Collection method: clinical testing. Allele origin: germline.